The following is an entry in ClinVar:

ClinVar aggregate classification (germline): Uncertain significance (1 of 4 stars; one submission).

Conditions:
Hereditary nonpolyposis colorectal neoplasms. Identifiers: MedGen C0009405, MeSH D003123.

Submission:

Labcorp Genetics (formerly Invitae), Labcorp
Classification: Uncertain significance for Hereditary nonpolyposis colorectal neoplasms. Last evaluated: 2019-03-01. Review status: criteria provided, single submitter. Criteria: Invitae Variant Classification Sherloc (09022015). Collection method: clinical testing. Allele origin: germline.
Comment: In summary, the available evidence is currently insufficient to determine the role of this variant in disease. Therefore, it has been classified as a Variant of Uncertain Significance. Algorithms developed to predict the effect of missense changes on protein structure and function (SIFT, PolyPhen-2, Align-GVGD) all suggest that this variant is likely to be disruptive, but these predictions have not been confirmed by published functional studies and their clinical significance is uncertain. This variant has not been reported in the literature in individuals with MSH6-related conditions. ClinVar contains an entry for this variant (Variation ID: 571034). This variant is not present in population databases (ExAC no frequency). This sequence change replaces alanine with threonine at codon 1162 of the MSH6 protein (p.Ala1162Thr). The alanine residue is highly conserved and there is a small physicochemical difference between alanine and threonine.

NM_000179.3(MSH6):c.3484G>A (p.Ala1162Thr)

Gene: MSH6 (mutS homolog 6; plus strand). Cytogenetic location: 2p16.3.
Variant type: single nucleotide variant.
Coding change: c.3484G>A on transcript NM_000179.3 (MANE Select); coding-DNA position 3484, G replaced by A.
Protein change: p.Ala1162Thr; replaces alanine 1162 with threonine.
Molecular consequence: missense variant.
Genome position (GRCh38, 1-based): chr2:47,804,955, G>A. VCF-style: chr2-47804955-G-A. GRCh37 (hg19) VCF-style: chr2-48032094-G-A.
Other names: c.3094G>A, p.Ala1032Thr (NM_001281492.2); c.2578G>A, p.Ala860Thr (NM_001281493.2, NM_001281494.2); short protein forms A1162T, A860T, A1032T.
Identifiers: ClinVar variation 571034 (VCV000571034.11), dbSNP rs587779266, ClinGen allele CA346760138.
Genomic context (GRCh38, chr2:47,804,955, plus strand): 5'-CTCCCTCATTCACAGGCTGGCTTATTAGCTGTAATGGCCCAGATGGGTTGTTACGTCCCT[G>A]CTGAAGTGTGCAGGCTCACACCAATTGATAGAGTGTTTACTAGACTTGGTGCCTCAGACA-3'
Protein context (NP_000170.1, residues 1152-1172): VMAQMGCYVP[Ala1162Thr]EVCRLTPIDR